The following is an entry in ClinVar:

NM_030957.4(ADAMTS10):c.2590C>G (p.His864Asp)

Gene: ADAMTS10 (ADAM metallopeptidase with thrombospondin type 1 motif 10; minus strand). Cytogenetic location: 19p13.2.
Variant type: single nucleotide variant.
Coding change: c.2590C>G on transcript NM_030957.4 (MANE Select); coding-DNA position 2590, C replaced by G.
Protein change: p.His864Asp; replaces histidine 864 with aspartic acid.
Molecular consequence: missense variant.
Genome position (GRCh38, 1-based): chr19:8,586,192, G>C on the plus strand (C>G on the coding strand, the complement: ADAMTS10 is on the minus strand). VCF-style: chr19-8586192-G-C. GRCh37 (hg19) VCF-style: chr19-8651076-G-C.
Other names: c.1051C>G, p.His351Asp (NM_001282352.2); c.2590C>G (NM_030957.2); short protein forms H351D, H864D.
Identifiers: ClinVar variation 1972770 (VCV001972770.4), dbSNP rs1054223094, ClinGen allele CA304997230.

ClinVar aggregate classification (germline): Uncertain significance. Review status: criteria provided, multiple submitters, no conflicts (2 of 4 stars). 2 submissions from 2 submitters: Uncertain significance (2). Last evaluated 2024-12-23.

Conditions:
Inborn genetic diseases. Identifiers: MedGen C0950123, MeSH D030342.

Allele frequency attached by ClinVar (database versions not stated): gnomAD 0.00001; TOPMed 0.00003.
gnomAD v4.1: 14 of 1,612,836 alleles (0.00087%); highest among the groups gnomAD compares: Admixed American, 0.005%; no homozygotes.

Submissions (2):

Ambry Genetics
Classification: Uncertain significance for Inborn genetic diseases. Last evaluated: 2024-12-23. Review status: criteria provided, single submitter. Criteria: Ambry Variant Classification Scheme 2023. Collection method: clinical testing. Allele origin: germline.

Labcorp Genetics (formerly Invitae), Labcorp
Classification: Uncertain significance. Last evaluated: 2022-08-10. Review status: criteria provided, single submitter. Criteria: Invitae Variant Classification Sherloc (09022015). Collection method: clinical testing. Allele origin: germline.
Comment: Algorithms developed to predict the effect of missense changes on protein structure and function (SIFT, PolyPhen-2, Align-GVGD) all suggest that this variant is likely to be tolerated. This variant has not been reported in the literature in individuals affected with ADAMTS10-related conditions. This variant is not present in population databases (gnomAD no frequency). This sequence change replaces histidine, which is basic and polar, with aspartic acid, which is acidic and polar, at codon 864 of the ADAMTS10 protein (p.His864Asp). In summary, the available evidence is currently insufficient to determine the role of this variant in disease. Therefore, it has been classified as a Variant of Uncertain Significance.